The following is an entry in ClinVar:

NM_000361.3(THBD):c.723C>A (p.Gly241=)

Gene: THBD (thrombomodulin; minus strand). Cytogenetic location: 20p11.21.
Variant type: single nucleotide variant.
Coding change: c.723C>A on transcript NM_000361.3 (MANE Select); coding-DNA position 723, C replaced by A.
Protein change: p.Gly241=; no amino-acid change (glycine 241 retained).
Molecular consequence: synonymous variant.
Genome position (GRCh38, 1-based): chr20:23,048,782, G>T on the plus strand (C>A on the coding strand, the complement: THBD is on the minus strand). VCF-style: chr20-23048782-G-T. GRCh37 (hg19) VCF-style: chr20-23029419-G-T.
Identifiers: ClinVar variation 3604454 (VCV003604454.2).

ClinVar aggregate classification (germline): Uncertain significance (1 of 4 stars; one submission).

Submission:

Labcorp Genetics (formerly Invitae), Labcorp
Classification: Uncertain significance. Last evaluated: 2024-10-03. Review status: criteria provided, single submitter. Criteria: Invitae Variant Classification Sherloc (09022015). Collection method: clinical testing. Allele origin: germline.
Comment: This sequence change affects codon 241 of the THBD mRNA. It is a 'silent' change, meaning that it does not change the encoded amino acid sequence of the THBD protein. The frequency data for this variant in the population databases is considered unreliable, as metrics indicate poor data quality at this position in the gnomAD database. This variant has not been reported in the literature in individuals affected with THBD-related conditions. In summary, the available evidence is currently insufficient to determine the role of this variant in disease. Therefore, it has been classified as a Variant of Uncertain Significance.